The following is an entry in ClinVar:

NM_000103.4(CYP19A1):c.1154G>A (p.Gly385Asp)

Genes: CYP19A1 (cytochrome P450 family 19 subfamily A member 1; minus strand), MIR4713HG (MIR4713 host gene; plus strand), PIRC66 (piwi-interacting RNA cluster 66; plus strand). Cytogenetic location: 15q21.2.
Variant type: single nucleotide variant.
Coding change: c.1154G>A on transcript NM_000103.4 (MANE Select); coding-DNA position 1154, G replaced by A.
Protein change: p.Gly385Asp; replaces glycine 385 with aspartic acid.
Molecular consequence: missense variant.
Genome position (GRCh38, 1-based): chr15:51,212,429, C>T on the plus strand (G>A on the coding strand, the complement: CYP19A1 is on the minus strand). VCF-style: chr15-51212429-C-T. GRCh37 (hg19) VCF-style: chr15-51504626-C-T.
Other names: c.1154G>A, p.Gly385Asp (NM_001347248.1, NM_001347249.2, NM_001347250.2 and 7 more transcripts); short protein forms G385D.
Identifiers: ClinVar variation 2442503 (VCV002442503.1), dbSNP rs988300125, ClinGen allele CA392424760.

ClinVar aggregate classification (germline): Uncertain significance (1 of 4 stars; one submission).

Submission:

GeneDx
Classification: Uncertain significance. Last evaluated: 2022-09-06. Review status: criteria provided, single submitter. Criteria: GeneDx Variant Classification Process June 2021. Collection method: clinical testing. Allele origin: germline. Affected: yes.
Comment: Not observed at significant frequency in large population cohorts (gnomAD); In silico analysis supports that this missense variant has a deleterious effect on protein structure/function; Has not been previously published as pathogenic or benign to our knowledge